The following is an entry in ClinVar:

NM_000358.3(TGFBI):c.1237C>G (p.Leu413Val)

Genes: TGFBI (transforming growth factor beta induced; plus strand), LOC126807519 (P300/CBP strongly-dependent group 1 enhancer GRCh37_chr5:135388921-135390120; plus strand). Cytogenetic location: 5q31.1.
Variant type: single nucleotide variant.
Coding change: c.1237C>G on transcript NM_000358.3 (MANE Select); coding-DNA position 1237, C replaced by G.
Protein change: p.Leu413Val; replaces leucine 413 with valine.
Molecular consequence: missense variant.
Genome position (GRCh38, 1-based): chr5:136,054,053, C>G. VCF-style: chr5-136054053-C-G. GRCh37 (hg19) VCF-style: chr5-135389742-C-G.
Other names: short protein forms L413V.
Identifiers: ClinVar variation 3625020 (VCV003625020.2).

ClinVar aggregate classification (germline): Uncertain significance (1 of 4 stars; one submission).

gnomAD v4.1: 32 of 1,613,870 alleles (0.002%); highest among the groups gnomAD compares: Admixed American, 0.053%; no homozygotes.

Submission:

Labcorp Genetics (formerly Invitae), Labcorp
Classification: Uncertain significance. Last evaluated: 2024-11-11. Review status: criteria provided, single submitter. Criteria: Invitae Variant Classification Sherloc (09022015). Collection method: clinical testing. Allele origin: germline.
Comment: This sequence change replaces leucine, which is neutral and non-polar, with valine, which is neutral and non-polar, at codon 413 of the TGFBI protein (p.Leu413Val). This variant is present in population databases (no rsID available, gnomAD 0.03%). This variant has not been reported in the literature in individuals affected with TGFBI-related conditions. Invitae Evidence Modeling of protein sequence and biophysical properties (such as structural, functional, and spatial information, amino acid conservation, physicochemical variation, residue mobility, and thermodynamic stability) indicates that this missense variant is not expected to disrupt TGFBI protein function with a negative predictive value of 80%. In summary, the available evidence is currently insufficient to determine the role of this variant in disease. Therefore, it has been classified as a Variant of Uncertain Significance.